The following is an entry in ClinVar:

NM_153603.4(COG7):c.241T>G (p.Ser81Ala)

Gene: COG7 (component of oligomeric golgi complex 7; minus strand). Cytogenetic location: 16p12.2.
Variant type: single nucleotide variant.
Coding change: c.241T>G on transcript NM_153603.4 (MANE Select); coding-DNA position 241, T replaced by G.
Protein change: p.Ser81Ala; replaces serine 81 with alanine.
Molecular consequence: missense variant.
Genome position (GRCh38, 1-based): chr16:23,445,890, A>C on the plus strand (T>G on the coding strand, the complement: COG7 is on the minus strand). VCF-style: chr16-23445890-A-C. GRCh37 (hg19) VCF-style: chr16-23457211-A-C.
Other names: short protein forms S81A.
Identifiers: ClinVar variation 318490 (VCV000318490.10), dbSNP rs778408190, ClinGen allele CA7961354.

ClinVar aggregate classification (germline): Uncertain significance. Review status: criteria provided, multiple submitters, no conflicts (2 of 4 stars). 2 submissions from 2 submitters: Uncertain significance (2). Last evaluated 2025-10-26.

Conditions:
COG7 congenital disorder of glycosylation (CDG2E). Also called: CONGENITAL DISORDER OF GLYCOSYLATION, TYPE IIe; CDG IIe. Identifiers: Orphanet 79333, MedGen C2931010, MONDO:0012118, OMIM 608779.

Allele frequency attached by ClinVar (database versions not stated): TOPMed 0.00004; gnomAD exomes 0.00006 and 0.00011; gnomAD 0.00007; ExAC 0.00010.
gnomAD v4.1: 104 of 1,611,216 alleles (0.0065%); highest among the groups gnomAD compares: Admixed American, 0.01%; no homozygotes.

Submissions (2):

Labcorp Genetics (formerly Invitae), Labcorp
Classification: Uncertain significance for COG7 congenital disorder of glycosylation. Last evaluated: 2025-10-26. Review status: criteria provided, single submitter. Criteria: Invitae Variant Classification Sherloc (09022015). Collection method: clinical testing. Allele origin: germline.
Comment: This sequence change replaces serine, which is neutral and polar, with alanine, which is neutral and non-polar, at codon 81 of the COG7 protein (p.Ser81Ala). This variant is present in population databases (rs778408190, gnomAD 0.2%). This variant has not been reported in the literature in individuals affected with COG7-related conditions. ClinVar contains an entry for this variant (Variation ID: 318490). Invitae Evidence Modeling of protein sequence and biophysical properties (such as structural, functional, and spatial information, amino acid conservation, physicochemical variation, residue mobility, and thermodynamic stability) indicates that this missense variant is not expected to disrupt COG7 protein function with a negative predictive value of 80%. In summary, the available evidence is currently insufficient to determine the role of this variant in disease. Therefore, it has been classified as a Variant of Uncertain Significance.

Illumina Laboratory Services, Illumina
Classification: Uncertain significance for COG7 congenital disorder of glycosylation. Last evaluated: 2018-01-13. Review status: criteria provided, single submitter. Criteria: ICSL Variant Classification Criteria 13 December 2019. Collection method: clinical testing. Allele origin: germline.